The following is an entry in ClinVar:

NM_004415.4(DSP):c.5227A>G (p.Ser1743Gly)

Gene: DSP (desmoplakin; plus strand). Cytogenetic location: 6p24.3.
Variant type: single nucleotide variant.
Coding change: c.5227A>G on transcript NM_004415.4 (MANE Select); coding-DNA position 5227, A replaced by G.
Protein change: p.Ser1743Gly; replaces serine 1743 with glycine.
Molecular consequence: missense variant. On other transcripts: intron variant (2).
Genome position (GRCh38, 1-based): chr6:7,581,417, A>G. VCF-style: chr6-7581417-A-G. GRCh37 (hg19) VCF-style: chr6-7581650-A-G.
Other names: c.4050+1177A>G (NM_001319034.2); c.3583-1225A>G (NM_001008844.3); short protein forms S1743G.
Identifiers: ClinVar variation 922653 (VCV000922653.13), dbSNP rs1759437499, ClinGen allele CA362688128.

ClinVar aggregate classification (germline): Uncertain significance. Review status: criteria provided, multiple submitters, no conflicts (2 of 4 stars). 2 submissions from 2 submitters: Uncertain significance (2). Last evaluated 2024-11-09.

Conditions:
Cardiomyopathy (CMYO). Also called: Cardiomyopathies. Identifiers: Orphanet 167848, MedGen C0878544, MONDO:0004994, HP:0001638. Inheritance: Various modes of inheritance.
Arrhythmogenic right ventricular dysplasia 8 (ARVD8). Also called: Arrhythmogenic Right Ventricular Dysplasia/Cardiomyopathy 8; ARRHYTHMOGENIC RIGHT VENTRICULAR DYSPLASIA, FAMILIAL, 8; ARRHYTHMOGENIC RIGHT VENTRICULAR CARDIOMYOPATHY 8. Identifiers: MedGen C1843896, MONDO:0011831, OMIM 607450.
Arrhythmogenic cardiomyopathy with wooly hair and keratoderma. Also called: PALMOPLANTAR KERATODERMA WITH LEFT VENTRICULAR CARDIOMYOPATHY AND WOOLLY HAIR; Carvajal syndrome; Dilated cardiomyopathy with woolly hair and keratoderma; Arrhythmogenic cardiomyopathy with woolly hair and keratoderma. Identifiers: Orphanet 65282, MedGen C1854063, MONDO:0011581, OMIM 605676.

Allele frequency attached by ClinVar (database versions not stated): gnomAD exomes below 0.00001.
gnomAD v4.1: 1 of 1,613,246 alleles (0.000062%); highest among the groups gnomAD compares: East Asian, 0.0022%; no homozygotes.

Submissions (2):

Labcorp Genetics (formerly Invitae), Labcorp
Classification: Uncertain significance for Arrhythmogenic cardiomyopathy with wooly hair and keratoderma; Arrhythmogenic right ventricular dysplasia 8. Last evaluated: 2024-11-09. Review status: criteria provided, single submitter. Criteria: Invitae Variant Classification Sherloc (09022015). Collection method: clinical testing. Allele origin: germline.
Comment: This sequence change replaces serine, which is neutral and polar, with glycine, which is neutral and non-polar, at codon 1743 of the DSP protein (p.Ser1743Gly). This variant is not present in population databases (gnomAD no frequency). This variant has not been reported in the literature in individuals affected with DSP-related conditions. ClinVar contains an entry for this variant (Variation ID: 922653). An algorithm developed to predict the effect of missense changes on protein structure and function (PolyPhen-2) suggests that this variant is likely to be tolerated. In summary, the available evidence is currently insufficient to determine the role of this variant in disease. Therefore, it has been classified as a Variant of Uncertain Significance.

Color Diagnostics, LLC DBA Color Health
Classification: Uncertain significance for Cardiomyopathy. Last evaluated: 2023-12-05. Review status: criteria provided, single submitter. Criteria: ACMG Guidelines, 2015. Collection method: clinical testing. Allele origin: germline.
Comment: Variant of Uncertain Significance due to insufficient evidence: This missense variant is located in the central rod domain of the DSP protein. Computational prediction tools and conservation analyses suggest that this variant may not impact the protein function. Computational splicing tools suggest that this variant may not impact RNA splicing. To our knowledge, functional assays have not been performed for this variant nor has this variant been reported in individuals affected with cardiovascular disorders in the literature. This variant is rare in the general population and has been identified in 0/277264 chromosomes by the Genome Aggregation Database (gnomAD). Available evidence is insufficient to determine the role of this variant in disease conclusively.